The following is an entry in ClinVar:

ClinVar aggregate classification (germline): Uncertain significance. Review status: criteria provided, multiple submitters, no conflicts (2 of 4 stars). 3 submissions from 3 submitters: Uncertain significance (3). Last evaluated 2024-10-15.

Conditions:
Donnai-Barrow syndrome. Also called: DBS/FOAR SYNDROME; FACIOOCULOACOUSTICORENAL SYNDROME. Identifiers: Orphanet 2143, MedGen C1857277, MONDO:0009104, OMIM 222448.

Allele frequency attached by ClinVar (database versions not stated): ExAC 0.00002; ESP Exome Variant Server 0.00008; TOPMed 0.00005; gnomAD exomes 0.00003; gnomAD 0.00009.
gnomAD v4.1: 60 of 1,613,836 alleles (0.0037%); highest among the groups gnomAD compares: African/African-American, 0.012%; no homozygotes.

Submissions (3):

Dasa
Classification: Uncertain significance. Last evaluated: 2024-10-15. Review status: criteria provided, single submitter. Criteria: DASA Assertion Criteria. Collection method: clinical testing. Allele origin: germline.
Comment: NM_004525.3(LRP2):c.1729C>T (p.Arg577Trp) is a missense variant that results in the substitution of arginine with tryptophan. This variant is rare in population databases. Computational prediction algorithms are consistent with a deleterious effect. The currently available literature and clinical evidence are not sufficient to establish a definitive association between this variant and the reported condition. Therefore, this variant is classified as a variant of uncertain significance.

Fulgent Genetics
Classification: Uncertain significance for Donnai-Barrow syndrome. Last evaluated: 2024-02-18. Review status: criteria provided, single submitter. Criteria: ACMG Guidelines, 2015. Collection method: clinical testing. Allele origin: germline.

Labcorp Genetics (formerly Invitae), Labcorp
Classification: Uncertain significance. Last evaluated: 2022-06-26. Review status: criteria provided, single submitter. Criteria: Invitae Variant Classification Sherloc (09022015). Collection method: clinical testing. Allele origin: germline.
Comment: This sequence change replaces arginine, which is basic and polar, with tryptophan, which is neutral and slightly polar, at codon 577 of the LRP2 protein (p.Arg577Trp). This variant is present in population databases (rs144270115, gnomAD 0.008%). This missense change has been observed in individual(s) with clinical features of LRP2-related conditions (PMID: 33994118). Algorithms developed to predict the effect of missense changes on protein structure and function are either unavailable or do not agree on the potential impact of this missense change (SIFT: "Deleterious"; PolyPhen-2: "Probably Damaging"; Align-GVGD: "Class C0"). In summary, the available evidence is currently insufficient to determine the role of this variant in disease. Therefore, it has been classified as a Variant of Uncertain Significance.

Literature cited by the submitters: PubMed 33994118 (cited by Labcorp Genetics (formerly Invitae), Labcorp).

NM_004525.3(LRP2):c.1729C>T (p.Arg577Trp)

Gene: LRP2 (LDL receptor related protein 2; minus strand). Cytogenetic location: 2q31.1.
Variant type: single nucleotide variant.
Coding change: c.1729C>T on transcript NM_004525.3 (MANE Select); coding-DNA position 1729, C replaced by T.
Protein change: p.Arg577Trp; replaces arginine 577 with tryptophan.
Molecular consequence: missense variant.
Genome position (GRCh38, 1-based): chr2:169,277,788, G>A on the plus strand (C>T on the coding strand, the complement: LRP2 is on the minus strand). VCF-style: chr2-169277788-G-A. GRCh37 (hg19) VCF-style: chr2-170134298-G-A.
Other names: short protein forms R577W.
Identifiers: ClinVar variation 2416133 (VCV002416133.5), dbSNP rs144270115, ClinGen allele CA1955496.